The following is an entry in ClinVar:

NM_001080467.3(MYO5B):c.1879G>A (p.Glu627Lys)

Gene: MYO5B (myosin VB; minus strand). Cytogenetic location: 18q21.1.
Variant type: single nucleotide variant.
Coding change: c.1879G>A on transcript NM_001080467.3 (MANE Select); coding-DNA position 1879, G replaced by A.
Protein change: p.Glu627Lys; replaces glutamic acid 627 with lysine.
Molecular consequence: missense variant.
Genome position (GRCh38, 1-based): chr18:49,937,271, C>T on the plus strand (G>A on the coding strand, the complement: MYO5B is on the minus strand). VCF-style: chr18-49937271-C-T. GRCh37 (hg19) VCF-style: chr18-47463641-C-T.
Other names: short protein forms E627K.
Identifiers: ClinVar variation 1352657 (VCV001352657.6), dbSNP rs1203725499, ClinGen allele CA402445736.
Genomic context (GRCh38, chr18:49,937,271, plus strand): 5'-CACCTCAGCCCATAGCTTTTGGTCCGGGGCTGACCTGGTGGCCAACGGTTTTCTTGTGCT[C>T]CTTGTTGGAGACTTTCATGGGGGGTCTGGCAGAACGGACGCTGATCTTCGAAGATGACCC-3'
Protein context (NP_001073936.1, residues 617-637): ARPPMKVSNK[Glu627Lys]HKKTVGHQFR

ClinVar aggregate classification (germline): Uncertain significance (1 of 4 stars; one submission).

Allele frequency attached by ClinVar (database versions not stated): gnomAD exomes below 0.00001; gnomAD 0.00001.
gnomAD v4.1: 2 of 1,613,994 alleles (0.00012%); highest among the groups gnomAD compares: African/African-American, 0.0027%; no homozygotes.

Submission:

Labcorp Genetics (formerly Invitae), Labcorp
Classification: Uncertain significance. Last evaluated: 2021-11-20. Review status: criteria provided, single submitter. Criteria: Invitae Variant Classification Sherloc (09022015). Collection method: clinical testing. Allele origin: germline.
Comment: Algorithms developed to predict the effect of missense changes on protein structure and function are either unavailable or do not agree on the potential impact of this missense change (SIFT: "Deleterious"; PolyPhen-2: "Benign"; Align-GVGD: "Class C0"). In summary, the available evidence is currently insufficient to determine the role of this variant in disease. Therefore, it has been classified as a Variant of Uncertain Significance. This variant has not been reported in the literature in individuals affected with MYO5B-related conditions. This variant is present in population databases (no rsID available, gnomAD 0.007%). This sequence change replaces glutamic acid, which is acidic and polar, with lysine, which is basic and polar, at codon 627 of the MYO5B protein (p.Glu627Lys).